The following is an entry in ClinVar:

ClinVar aggregate classification (germline): Likely benign. Review status: criteria provided, multiple submitters, no conflicts (2 of 4 stars). 2 submissions from 2 submitters: Likely benign (2). Last evaluated 2024-05-08.

Allele frequency attached by ClinVar (database versions not stated): ExAC 0.00010; gnomAD 0.00007; gnomAD exomes 0.00007; TOPMed 0.00007.
gnomAD v4.1: 113 of 1,603,396 alleles (0.007%); highest among the groups gnomAD compares: Middle Eastern, 0.017%; no homozygotes.

Submissions (2):

Blueprint Genetics
Classification: Likely benign. Last evaluated: 2024-05-08. Review status: criteria provided, single submitter. Criteria: ACMG Guidelines, 2015. Collection method: clinical testing. Allele origin: germline.

CeGaT Center for Human Genetics Tuebingen
Classification: Likely benign. Last evaluated: 2022-12-01. Review status: criteria provided, single submitter. Criteria: CeGaT Center For Human Genetics Tuebingen Variant Classification Criteria Version 2. Collection method: clinical testing. Allele origin: germline. Affected: yes. Observed: 1 variant allele.
Comment: KRT14: BP4, BP7

NM_000526.5(KRT14):c.183A>G (p.Gly61=)

Gene: KRT14 (keratin 14; minus strand). Cytogenetic location: 17q21.2.
Variant type: single nucleotide variant.
Coding change: c.183A>G on transcript NM_000526.5 (MANE Select); coding-DNA position 183, A replaced by G.
Protein change: p.Gly61=; no amino-acid change (glycine 61 retained).
Molecular consequence: synonymous variant.
Genome position (GRCh38, 1-based): chr17:41,586,652, T>C on the plus strand (A>G on the coding strand, the complement: KRT14 is on the minus strand). VCF-style: chr17-41586652-T-C. GRCh37 (hg19) VCF-style: chr17-39742904-T-C.
Identifiers: ClinVar variation 2647772 (VCV002647772.25), dbSNP rs766391033, ClinGen allele CA8562796.